The following is an entry in ClinVar:

ClinVar aggregate classification (germline): Uncertain significance (1 of 4 stars; one submission).

Submission:

Labcorp Genetics (formerly Invitae), Labcorp
Classification: Uncertain significance. Last evaluated: 2023-07-17. Review status: criteria provided, single submitter. Criteria: Invitae Variant Classification Sherloc (09022015). Collection method: clinical testing. Allele origin: germline.
Comment: In summary, the available evidence is currently insufficient to determine the role of this variant in disease. Therefore, it has been classified as a Variant of Uncertain Significance. Advanced modeling of protein sequence and biophysical properties (such as structural, functional, and spatial information, amino acid conservation, physicochemical variation, residue mobility, and thermodynamic stability) performed at Invitae indicates that this missense variant is not expected to disrupt PITPNM3 protein function. ClinVar contains an entry for this variant (Variation ID: 2110516). This variant has not been reported in the literature in individuals affected with PITPNM3-related conditions. This variant is not present in population databases (gnomAD no frequency). This sequence change replaces lysine, which is basic and polar, with glutamine, which is neutral and polar, at codon 179 of the PITPNM3 protein (p.Lys179Gln).

NM_031220.4(PITPNM3):c.535A>C (p.Lys179Gln)

Gene: PITPNM3 (PITPNM family member 3; minus strand). Cytogenetic location: 17p13.2.
Variant type: single nucleotide variant.
Coding change: c.535A>C on transcript NM_031220.4 (MANE Select); coding-DNA position 535, A replaced by C.
Protein change: p.Lys179Gln; replaces lysine 179 with glutamine.
Molecular consequence: missense variant.
Genome position (GRCh38, 1-based): chr17:6,483,569, T>G on the plus strand (A>C on the coding strand, the complement: PITPNM3 is on the minus strand). VCF-style: chr17-6483569-T-G. GRCh37 (hg19) VCF-style: chr17-6386889-T-G.
Other names: c.427A>C, p.Lys143Gln (NM_001165966.2); short protein forms K179Q, K143Q.
Identifiers: ClinVar variation 2110516 (VCV002110516.4), dbSNP rs2544031963, ClinGen allele CA397410601.